The following is an entry in ClinVar:

ClinVar aggregate classification (germline): Uncertain significance. Review status: criteria provided, single submitter (1 of 4 stars). 2 submissions from 2 submitters: Uncertain significance (1). 1 of the submissions does not count toward it. Last evaluated 2024-10-16.

Conditions:
Joubert syndrome. Also called: CEREBELLOPARENCHYMAL DISORDER IV; JOUBERT-BOLTSHAUSER SYNDROME; Familial aplasia of the vermis. Identifiers: Orphanet 475, MedGen C5979921, MONDO:0018772.
Meckel-Gruber syndrome. Also called: DYSENCEPHALIA SPLANCHNOCYSTICA; GRUBER SYNDROME; Dysencephalia splachnocystica. Identifiers: Orphanet 564, MedGen C0265215, MONDO:0018921.

Allele frequency attached by ClinVar (database versions not stated): gnomAD exomes below 0.00001.
gnomAD v4.1: 2 of 1,613,984 alleles (0.00012%); highest among the groups gnomAD compares: Admixed American, 0.0017%; no homozygotes.

Submissions (2):

Labcorp Genetics (formerly Invitae), Labcorp
Classification: Uncertain significance for Joubert syndrome; Meckel-Gruber syndrome. Last evaluated: 2024-10-16. Review status: criteria provided, single submitter. Criteria: Invitae Variant Classification Sherloc (09022015). Collection method: clinical testing. Allele origin: germline.
Comment: This sequence change replaces valine, which is neutral and non-polar, with isoleucine, which is neutral and non-polar, at codon 1294 of the RPGRIP1L protein (p.Val1294Ile). This variant is present in population databases (no rsID available, gnomAD 0.003%). This variant has not been reported in the literature in individuals affected with RPGRIP1L-related conditions. ClinVar contains an entry for this variant (Variation ID: 1920431). Invitae Evidence Modeling of protein sequence and biophysical properties (such as structural, functional, and spatial information, amino acid conservation, physicochemical variation, residue mobility, and thermodynamic stability) indicates that this missense variant is not expected to disrupt RPGRIP1L protein function with a negative predictive value of 80%. In summary, the available evidence is currently insufficient to determine the role of this variant in disease. Therefore, it has been classified as a Variant of Uncertain Significance.

Natera, Inc.
Classification: Uncertain significance for Joubert syndrome. Last evaluated: 2025-05-25. Review status: no assertion criteria provided. Collection method: clinical testing. Allele origin: germline. Not counted in ClinVar's aggregate classification.

NM_015272.5(RPGRIP1L):c.3880G>A (p.Val1294Ile)

Gene: RPGRIP1L (RPGRIP1 like; minus strand). Cytogenetic location: 16q12.2.
Variant type: single nucleotide variant.
Coding change: c.3880G>A on transcript NM_015272.5 (MANE Select); coding-DNA position 3880, G replaced by A.
Protein change: p.Val1294Ile; replaces valine 1294 with isoleucine.
Molecular consequence: missense variant.
Genome position (GRCh38, 1-based): chr16:53,602,144, C>T on the plus strand (G>A on the coding strand, the complement: RPGRIP1L is on the minus strand). VCF-style: chr16-53602144-C-T. GRCh37 (hg19) VCF-style: chr16-53636056-C-T.
Other names: c.3640G>A, p.Val1214Ile (NM_001127897.4); c.3742G>A, p.Val1248Ile (NM_001308334.3); c.3778G>A, p.Val1260Ile (NM_001330538.2); c.3880G>A (NM_015272.4); short protein forms V1248I, V1214I, V1260I, V1294I.
Identifiers: ClinVar variation 1920431 (VCV001920431.6), dbSNP rs1203979901, ClinGen allele CA395918922.
Genomic context (GRCh38, chr16:53,602,144, plus strand): 5'-CCAAGTCATCTCTGTATTGCTTGTAGACAGACTGGAGGGCATGGAGAGCTTCGACTGTTA[C>T]CCTGAGCTTGCCAATACCTTCACCATCTGCTCGTGCATCAAAAACTAGGGAGAAAAGAGC-3'
Protein context (NP_056087.2, residues 1284-1304): ADGEGIGKLR[Val1294Ile]TVEALHALQS